The following is an entry in ClinVar:

NM_020843.4(SCAPER):c.4191A>C (p.Lys1397Asn)

Gene: SCAPER (S-phase cyclin A associated protein in the ER; minus strand). Cytogenetic location: 15q24.3.
Variant type: single nucleotide variant.
Coding change: c.4191A>C on transcript NM_020843.4 (MANE Select); coding-DNA position 4191, A replaced by C.
Protein change: p.Lys1397Asn; replaces lysine 1397 with asparagine.
Molecular consequence: missense variant. On other transcripts: non-coding transcript variant (1).
Genome position (GRCh38, 1-based): chr15:76,348,645, T>G on the plus strand (A>C on the coding strand, the complement: SCAPER is on the minus strand). VCF-style: chr15-76348645-T-G. GRCh37 (hg19) VCF-style: chr15-76640986-T-G.
Other names: c.3453A>C, p.Lys1151Asn (NM_001145923.2); c.4209A>C, p.Lys1403Asn (NM_001353009.2); c.3789A>C, p.Lys1263Asn (NM_001353010.2, NM_001353012.2); c.3807A>C, p.Lys1269Asn (NM_001353011.2); short protein forms K1263N, K1269N, K1151N, K1403N, K1397N.
Identifiers: ClinVar variation 4977633 (VCV004977633.1).

ClinVar aggregate classification (germline): Uncertain significance (1 of 4 stars; one submission).

Conditions:
SCAPER-related disorder. Also called: SCAPER-related condition.

gnomAD v4.1: 6 of 1,544,224 alleles (0.00039%); highest among the groups gnomAD compares: Non-Finnish European, 0.00052%; no homozygotes.

Submission:

PreventionGenetics, part of Exact Sciences
Classification: Uncertain significance for SCAPER-related condition. Last evaluated: 2026-05-09. Review status: criteria provided, single submitter. Criteria: ACMG Guidelines, 2015. Collection method: clinical testing. Allele origin: germline.
Comment: The SCAPER c.4209A>C variant is predicted to result in the amino acid substitution p.Lys1403Asn. To our knowledge, this variant has not been reported in the literature or in a large population database, indicating this variant is rare. At this time, the clinical significance of this variant is uncertain due to the absence of conclusive functional and genetic evidence.